The following is an entry in ClinVar:

ClinVar aggregate classification (germline): Uncertain significance (1 of 4 stars; one submission).

Conditions:
Hereditary spastic paraplegia 11. Also called: SPASTIC PARAPLEGIA, AUTOSOMAL RECESSIVE, COMPLICATED, WITH THIN CORPUS CALLOSUM; SPASTIC PARAPLEGIA, AUTOSOMAL RECESSIVE, WITH MENTAL IMPAIRMENT AND THIN CORPUS CALLOSUM; Nakamura Osame syndrome; Autosomal recessive hereditary spastic paraplegia, mental impairment, and thin corpus callosum; Spastic paraplegia, mental retardation and thin corpus callosum; Spastic Paraplegia 11. Identifiers: Orphanet 2822, MedGen C1858479, MONDO:0011445, OMIM 604360.

gnomAD v4.1: 1 of 1,614,144 alleles (0.000062%); highest among the groups gnomAD compares: Non-Finnish European, 0.000085%; no homozygotes.

Submission:

Labcorp Genetics (formerly Invitae), Labcorp
Classification: Uncertain significance for Hereditary spastic paraplegia 11. Last evaluated: 2021-03-17. Review status: criteria provided, single submitter. Criteria: Invitae Variant Classification Sherloc (09022015). Collection method: clinical testing. Allele origin: germline.
Comment: In summary, the available evidence is currently insufficient to determine the role of this variant in disease. Therefore, it has been classified as a Variant of Uncertain Significance. Algorithms developed to predict the effect of missense changes on protein structure and function are either unavailable or do not agree on the potential impact of this missense change (SIFT: "Deleterious"; PolyPhen-2: "Probably Damaging"; Align-GVGD: "Class C15"). This sequence change replaces glycine with glutamic acid at codon 2067 of the SPG11 protein (p.Gly2067Glu). The glycine residue is highly conserved and there is a moderate physicochemical difference between glycine and glutamic acid. This variant is not present in population databases (ExAC no frequency). This variant has not been reported in the literature in individuals with SPG11-related conditions.

NM_025137.4(SPG11):c.6200G>A (p.Gly2067Glu)

Gene: SPG11 (SPG11 vesicle trafficking associated, spatacsin; minus strand). Cytogenetic location: 15q21.1.
Variant type: single nucleotide variant.
Coding change: c.6200G>A on transcript NM_025137.4 (MANE Select); coding-DNA position 6200, G replaced by A.
Protein change: p.Gly2067Glu; replaces glycine 2067 with glutamic acid.
Molecular consequence: missense variant. On other transcripts: intron variant (1).
Genome position (GRCh38, 1-based): chr15:44,573,552, C>T on the plus strand (G>A on the coding strand, the complement: SPG11 is on the minus strand). VCF-style: chr15-44573552-C-T. GRCh37 (hg19) VCF-style: chr15-44865750-C-T.
Other names: c.5867-732G>A (NM_001160227.2); short protein forms G2067E.
Identifiers: ClinVar variation 1414708 (VCV001414708.8), dbSNP rs1339436003, ClinGen allele CA392218102.